The following is an entry in ClinVar:

NM_001290060.2(SEMA3B):c.2213G>C (p.Arg738Pro)

Gene: SEMA3B (semaphorin 3B; plus strand). Cytogenetic location: 3p21.31.
Variant type: single nucleotide variant.
Coding change: c.2213G>C on transcript NM_001290060.2 (MANE Select); coding-DNA position 2213, G replaced by C.
Protein change: p.Arg738Pro; replaces arginine 738 with proline.
Molecular consequence: missense variant. On other transcripts: non-coding transcript variant (1).
Genome position (GRCh38, 1-based): chr3:50,276,669, G>C. VCF-style: chr3-50276669-G-C. GRCh37 (hg19) VCF-style: chr3-50314100-G-C.
Other names: c.2210G>C, p.Arg737Pro (NM_001005914.3); c.2228G>C, p.Arg743Pro (NM_001290061.1); c.1184G>C, p.Arg395Pro (NM_001290062.2, NM_001290063.2); c.2213G>C, p.Arg738Pro (NM_004636.4); short protein forms R395P, R737P, R738P, R743P.
Identifiers: ClinVar variation 3352461 (VCV003352461.2).

ClinVar aggregate classification (germline): Uncertain significance (1 of 4 stars; one submission).

Conditions:
SEMA3B-related disorder. Also called: SEMA3B-related condition.

gnomAD v4.1: 15 of 1,570,820 alleles (0.00095%); highest among the groups gnomAD compares: Admixed American, 0.028%; no homozygotes.

Submission:

PreventionGenetics, part of Exact Sciences
Classification: Uncertain significance for SEMA3B-related condition. Last evaluated: 2026-08-26. Review status: criteria provided, single submitter. Criteria: ACMG Guidelines, 2015. Collection method: clinical testing. Allele origin: germline.
Comment: The SEMA3B c.2228G>C variant is predicted to result in the amino acid substitution p.Arg743Pro. To our knowledge, this variant has not been reported in the literature. This variant is reported in 0.045% of alleles in individuals of Latino descent in gnomAD. At this time, the clinical significance of this variant is uncertain due to the absence of conclusive functional and genetic evidence.